The following is an entry in ClinVar:

NM_000520.6(HEXA):c.187G>A (p.Glu63Lys)

Gene: HEXA (hexosaminidase subunit alpha; minus strand). Cytogenetic location: 15q23.
Variant type: single nucleotide variant.
Coding change: c.187G>A on transcript NM_000520.6 (MANE Select); coding-DNA position 187, G replaced by A.
Protein change: p.Glu63Lys; replaces glutamic acid 63 with lysine.
Molecular consequence: missense variant. On other transcripts: non-coding transcript variant (1).
Genome position (GRCh38, 1-based): chr15:72,375,786, C>T on the plus strand (G>A on the coding strand, the complement: HEXA is on the minus strand). VCF-style: chr15-72375786-C-T. GRCh37 (hg19) VCF-style: chr15-72668127-C-T.
Other names: c.187G>A, p.Glu63Lys (NM_001318825.2); short protein forms E63K.
Identifiers: ClinVar variation 3336438 (VCV003336438.1).

ClinVar aggregate classification (germline): Uncertain significance (1 of 4 stars; one submission).

gnomAD v4.1: 4 of 1,614,246 alleles (0.00025%); highest among the groups gnomAD compares: Non-Finnish European, 0.00025%; no homozygotes.

Submission:

Women's Health and Genetics/Laboratory Corporation of America, LabCorp
Classification: Uncertain significance. Last evaluated: 2024-05-31. Review status: criteria provided, single submitter. Criteria: LabCorp Variant Classification Summary - May 2015. Collection method: clinical testing. Allele origin: germline.
Comment: Variant summary: HEXA c.187G>A (p.Glu63Lys) results in a conservative amino acid change located in the Beta-hexosaminidase, eukaryotic type, N-terminal domain (IPR029019) of the encoded protein sequence. Four of five in-silico tools predict a benign effect of the variant on protein function. The variant allele was found at a frequency of 4e-06 in 251386 control chromosomes. The available data on variant occurrences in the general population are insufficient to allow any conclusion about variant significance. To our knowledge, no occurrence of c.187G>A in individuals affected with Tay-Sachs Disease and no experimental evidence demonstrating its impact on protein function have been reported. No submitters have cited clinical-significance assessments for this variant to ClinVar. Based on the evidence outlined above, the variant was classified as uncertain significance.